The following is an entry in ClinVar:

NM_006610.4(MASP2):c.39G>A (p.Ser13=)

Gene: MASP2 (MBL associated serine protease 2; minus strand). Cytogenetic location: 1p36.22.
Variant type: single nucleotide variant.
Coding change: c.39G>A on transcript NM_006610.4 (MANE Select); coding-DNA position 39, G replaced by A.
Protein change: p.Ser13=; no amino-acid change (serine 13 retained).
Molecular consequence: synonymous variant.
Genome position (GRCh38, 1-based): chr1:11,047,086, C>T on the plus strand (G>A on the coding strand, the complement: MASP2 is on the minus strand). VCF-style: chr1-11047086-C-T. GRCh37 (hg19) VCF-style: chr1-11107143-C-T.
Other names: c.39G>A, p.Ser13= (NM_139208.3).
Identifiers: ClinVar variation 2638216 (VCV002638216.25), dbSNP rs748680631, ClinGen allele CA587256.

ClinVar aggregate classification (germline): Likely benign. Review status: criteria provided, multiple submitters, no conflicts (2 of 4 stars). 2 submissions from 2 submitters: Likely benign (2). Last evaluated 2023-10-11.

Allele frequency attached by ClinVar (database versions not stated): gnomAD 0.00001; TOPMed 0.00001; ExAC 0.00006; 1000 Genomes Project 30x 0.00016.
gnomAD v4.1: 63 of 1,548,228 alleles (0.0041%); highest among the groups gnomAD compares: South Asian, 0.037%; no homozygotes.

Submissions (2):

Blueprint Genetics
Classification: Likely benign. Last evaluated: 2023-10-11. Review status: criteria provided, single submitter. Criteria: ACMG Guidelines, 2015. Collection method: clinical testing. Allele origin: germline.

CeGaT Center for Human Genetics Tuebingen
Classification: Likely benign. Last evaluated: 2022-10-01. Review status: criteria provided, single submitter. Criteria: CeGaT Center For Human Genetics Tuebingen Variant Classification Criteria Version 2. Collection method: clinical testing. Allele origin: germline. Affected: yes. Observed: 1 variant allele.
Comment: MASP2: BP4, BP7